The following is an entry in ClinVar:

ClinVar aggregate classification (germline): Benign/Likely benign. Review status: criteria provided, multiple submitters, no conflicts (2 of 4 stars). 5 submissions from 5 submitters: Benign (3); Likely benign (2). Last evaluated 2026-05-29.

Conditions:
Gastrointestinal stromal tumor. Also called: Gastrointestinal stroma tumor; Gastrointestinal stromal tumor, somatic. Identifiers: Orphanet 44890, MedGen C0238198, MeSH D046152, MONDO:0011719, OMIM 606764, HP:0100723.
Hereditary cancer-predisposing syndrome. Also called: Neoplastic Syndromes, Hereditary; Hereditary Cancer Syndrome; Tumor predisposition; Hereditary neoplastic syndrome. Identifiers: Orphanet 140162, MedGen C0027672, MeSH D009386, MONDO:0015356.

Allele frequency attached by ClinVar (database versions not stated): gnomAD 0.00009 and 0.00010; gnomAD exomes 0.00022 and 0.00115; TOPMed 0.00049; 1000 Genomes Project 0.00060; 1000 Genomes Project 30x 0.00078; ExAC 0.00102.
gnomAD v4.1: 331 of 1,613,176 alleles (0.021%); highest among the groups gnomAD compares: Admixed American, 0.54%; 3 homozygotes.

Submissions (5):

Myriad Genetics, Inc.
Classification: Likely benign for Gastrointestinal stromal tumor. Last evaluated: 2026-05-29. Review status: criteria provided, single submitter. Criteria: Myriad Autosomal Dominant, Autosomal Recessive and X-Linked Classification Criteria (2023). Collection method: clinical testing. Allele origin: unknown.
Comment: This variant is considered likely benign. This variant is intronic and is not expected to impact mRNA splicing.

Labcorp Genetics (formerly Invitae), Labcorp
Classification: Benign for Gastrointestinal stromal tumor. Last evaluated: 2026-01-14. Review status: criteria provided, single submitter. Criteria: Invitae Variant Classification Sherloc (09022015). Collection method: clinical testing. Allele origin: germline.

ARUP Laboratories, Molecular Genetics and Genomics, ARUP Laboratories
Classification: Benign. Last evaluated: 2025-05-07. Review status: criteria provided, single submitter. Criteria: ARUP Molecular Germline Variant Investigation Process 2024. Collection method: clinical testing. Allele origin: germline.

Sema4
Classification: Benign for Hereditary cancer-predisposing syndrome. Last evaluated: 2021-05-18. Review status: criteria provided, single submitter. Criteria: Sema4 Curation Guidelines. Collection method: curation. Allele origin: germline.

Blueprint Genetics
Classification: Likely benign. Last evaluated: 2020-10-21. Review status: criteria provided, single submitter. Criteria: ACMG Guidelines, 2015. Collection method: clinical testing. Allele origin: germline.

NM_000222.3(KIT):c.2234-8C>T

Gene: KIT (KIT proto-oncogene, receptor tyrosine kinase; plus strand). Cytogenetic location: 4q12.
Variant type: single nucleotide variant.
Coding change: c.2234-8C>T on transcript NM_000222.3 (MANE Select); 8 bases into the intron before coding-DNA position 2234, C replaced by T.
Molecular consequence: intron variant.
Genome position (GRCh38, 1-based): chr4:54,731,863, C>T. VCF-style: chr4-54731863-C-T. GRCh37 (hg19) VCF-style: chr4-55598029-C-T.
Other names: c.2237-8C>T (NM_001385284.1); c.2234-8C>T (NM_001385290.1); c.2225-8C>T (NM_001385288.1); c.2222-8C>T (NM_001385292.1, NM_001093772.2); c.2231-8C>T (NM_001385285.1); c.2219-8C>T (NM_001385286.1).
Identifiers: ClinVar variation 237257 (VCV000237257.16), dbSNP rs199817515, ClinGen allele CA2923700.